The following is an entry in ClinVar:

NM_000228.3(LAMB3):c.2478dup (p.Gly827fs)

Gene: LAMB3 (laminin subunit beta 3; minus strand). Cytogenetic location: 1q32.2.
Variant type: Duplication.
Coding change: c.2478dup on transcript NM_000228.3 (MANE Select); coding-DNA position 2478, one base duplicated (T; older notation c.2478dupT).
Protein change: p.Gly827fs; shifts the reading frame from glycine 827.
Molecular consequence: frameshift variant.
Genome position (GRCh38, 1-based): chr1:209,623,060, A duplicated on the plus strand (T on the coding strand, the reverse complement: LAMB3 is on the minus strand). VCF-style (leftmost placement, unchanged base first): chr1-209623059-C-CA. GRCh37 (hg19) VCF-style: chr1-209796404-C-CA.
Other names: c.2478dup, p.Gly827fs (NM_001017402.2, NM_001127641.1); short protein forms G827fs.
Identifiers: ClinVar variation 2046334 (VCV002046334.5), dbSNP rs1666264316, ClinGen allele CA2484298067.

ClinVar aggregate classification (germline): Pathogenic. Review status: criteria provided, multiple submitters, no conflicts (2 of 4 stars). 2 submissions from 2 submitters: Pathogenic (2). Last evaluated 2025-12-10.

Conditions:
Junctional epidermolysis bullosa. Identifiers: Orphanet 305, MedGen C0079301, MONDO:0017612.

Allele frequency attached by ClinVar (database versions not stated): TOPMed below 0.00001.

Submissions (2):

Myriad Genetics, Inc.
Classification: Pathogenic for Junctional epidermolysis bullosa. Last evaluated: 2025-12-10. Review status: criteria provided, single submitter. Criteria: Myriad Autosomal Dominant, Autosomal Recessive and X-Linked Classification Criteria (2023). Collection method: clinical testing. Allele origin: unknown.
Comment: NM_000228.2(LAMB3):c.2478dupT(G827Wfs*11) is expected to be pathogenic in the context of junctional epidermolysis bullosa, LAMB3-related. This variant is predicted to lead to an abnormal or absent protein product due to the creation of a premature termination codon in LAMB3, a gene where loss-of-function variants are known to be pathogenic. Please note: this variant was assessed in the context of healthy population screening.

Labcorp Genetics (formerly Invitae), Labcorp
Classification: Pathogenic. Last evaluated: 2021-12-18. Review status: criteria provided, single submitter. Criteria: Invitae Variant Classification Sherloc (09022015). Collection method: clinical testing. Allele origin: germline.
Comment: This sequence change creates a premature translational stop signal (p.Gly827Trpfs*11) in the LAMB3 gene. It is expected to result in an absent or disrupted protein product. Loss-of-function variants in LAMB3 are known to be pathogenic (PMID: 11023379, 16473856). For these reasons, this variant has been classified as Pathogenic. This variant has not been reported in the literature in individuals affected with LAMB3-related conditions. This variant is not present in population databases (gnomAD no frequency).

Literature cited by the submitters: PubMed 11023379 (cited by Labcorp Genetics (formerly Invitae), Labcorp); PubMed 16473856 (cited by Labcorp Genetics (formerly Invitae), Labcorp).